The following is an entry in ClinVar:

NM_000548.5(TSC2):c.75G>A (p.Arg25=)

Gene: TSC2 (TSC complex subunit 2; plus strand). Cytogenetic location: 16p13.3.
Variant type: single nucleotide variant.
Coding change: c.75G>A on transcript NM_000548.5 (MANE Select); coding-DNA position 75, G replaced by A.
Protein change: p.Arg25=; no amino-acid change (arginine 25 retained).
Molecular consequence: synonymous variant. On other transcripts: 5 prime UTR variant (1), intron variant (1).
Genome position (GRCh38, 1-based): chr16:2,048,690, G>A. VCF-style: chr16-2048690-G-A. GRCh37 (hg19) VCF-style: chr16-2098691-G-A.
Other names: c.75G>A, p.Arg25= (NM_001077183.3, NM_001114382.3, NM_001318827.2 and 4 more transcripts); c.-152G>A (NM_001318831.2); c.108G>A, p.Arg36= (NM_001318832.2); c.-10+625G>A (NM_001318829.2).
Identifiers: ClinVar variation 1149053 (VCV001149053.12), dbSNP rs2150971828, ClinGen allele CA492954365.

ClinVar aggregate classification (germline): Benign/Likely benign. Review status: criteria provided, multiple submitters, no conflicts (2 of 4 stars). 3 submissions from 3 submitters: Benign (1); Likely benign (2). Last evaluated 2025-04-30.

Conditions:
Tuberous sclerosis 2 (TSC2). Identifiers: Orphanet 805, MedGen C1860707, MONDO:0013199, OMIM 613254.
Hereditary cancer-predisposing syndrome. Also called: Hereditary Cancer Syndrome; Hereditary neoplastic syndrome; Neoplastic Syndromes, Hereditary; Tumor predisposition. Identifiers: Orphanet 140162, MedGen C0027672, MeSH D009386, MONDO:0015356.

Submissions (3):

Myriad Genetics, Inc.
Classification: Benign for Tuberous sclerosis 2. Last evaluated: 2025-04-30. Review status: criteria provided, single submitter. Criteria: Myriad Autosomal Dominant, Autosomal Recessive and X-Linked Classification Criteria (2023). Collection method: clinical testing. Allele origin: unknown.
Comment: This variant is considered benign. This variant is a silent/synonymous amino acid change and it is not expected to impact splicing.

Labcorp Genetics (formerly Invitae), Labcorp
Classification: Likely benign for Tuberous sclerosis 2. Last evaluated: 2024-10-10. Review status: criteria provided, single submitter. Criteria: Invitae Variant Classification Sherloc (09022015). Collection method: clinical testing. Allele origin: germline.

Ambry Genetics
Classification: Likely benign for Hereditary cancer-predisposing syndrome. Last evaluated: 2020-08-19. Review status: criteria provided, single submitter. Criteria: Ambry Variant Classification Scheme 2023. Collection method: clinical testing. Allele origin: germline.